The following is an entry in ClinVar:

NM_032242.4(PLXNA1):c.533C>T (p.Pro178Leu)

Gene: PLXNA1 (plexin A1; plus strand). Cytogenetic location: 3q21.3.
Variant type: single nucleotide variant.
Coding change: c.533C>T on transcript NM_032242.4 (MANE Select); coding-DNA position 533, C replaced by T.
Protein change: p.Pro178Leu; replaces proline 178 with leucine.
Molecular consequence: missense variant.
Genome position (GRCh38, 1-based): chr3:126,989,126, C>T. VCF-style: chr3-126989126-C-T. GRCh37 (hg19) VCF-style: chr3-126707969-C-T.
Other names: short protein forms P178L.
Identifiers: ClinVar variation 4993949 (VCV004993949.1).
Genomic context (GRCh38, chr3:126,989,126, plus strand): 5'-ACTACCTGTCCAGCGTGCAGGAGGCAGGCAGCATGGCGGGCGTGCTCATTGCCGGGCCAC[C>T]GGGCCAGGGCCAGGCCAAGCTCTTCGTGGGCACACCCATCGATGGCAAGTCCGAGTACTT-3'
Protein context (NP_115618.3, residues 168-188): SMAGVLIAGP[Pro178Leu]GQGQAKLFVG

ClinVar aggregate classification (germline): Uncertain significance (1 of 4 stars; one submission).

Conditions:
PLXNA1-related disorder. Also called: PLXNA1-related condition.

gnomAD v4.1: 26 of 1,613,052 alleles (0.0016%); highest among the groups gnomAD compares: East Asian, 0.016%; no homozygotes.

Submission:

PreventionGenetics, part of Exact Sciences
Classification: Uncertain significance for PLXNA1-related condition. Last evaluated: 2026-09-17. Review status: criteria provided, single submitter. Criteria: ACMG Guidelines, 2015. Collection method: clinical testing. Allele origin: germline.
Comment: The PLXNA1 c.533C>T variant is predicted to result in the amino acid substitution p.Pro178Leu. To our knowledge, this variant has not been reported in the literature. This variant is reported in 0.015% of alleles in individuals of East Asian descent in gnomAD. At this time, the clinical significance of this variant is uncertain due to the absence of conclusive functional and genetic evidence.